The following is an entry in ClinVar:

NM_000322.5(PRPH2):c.484G>C (p.Glu162Gln)

Gene: PRPH2 (peripherin 2; minus strand). Cytogenetic location: 6p21.1.
Variant type: single nucleotide variant.
Coding change: c.484G>C on transcript NM_000322.5 (MANE Select); coding-DNA position 484, G replaced by C.
Protein change: p.Glu162Gln; replaces glutamic acid 162 with glutamine.
Molecular consequence: missense variant.
Genome position (GRCh38, 1-based): chr6:42,721,851, C>G on the plus strand (G>C on the coding strand, the complement: PRPH2 is on the minus strand). VCF-style: chr6-42721851-C-G. GRCh37 (hg19) VCF-style: chr6-42689589-C-G.
Other names: short protein forms E162Q.
Identifiers: ClinVar variation 2793888 (VCV002793888.3), dbSNP rs769939935, ClinGen allele CA3808604.

ClinVar aggregate classification (germline): Uncertain significance (1 of 4 stars; one submission).

Conditions:
PRPH2-related disorder. Also called: PRPH2-related disorders; PRPH2-related condition. Identifiers: MedGen CN239395.

Allele frequency attached by ClinVar (database versions not stated): gnomAD 0.00001.
gnomAD v4.1: 18 of 1,614,076 alleles (0.0011%); highest among the groups gnomAD compares: South Asian, 0.018%; no homozygotes.

Submission:

Labcorp Genetics (formerly Invitae), Labcorp
Classification: Uncertain significance for PRPH2-related disorder. Last evaluated: 2023-03-18. Review status: criteria provided, single submitter. Criteria: Invitae Variant Classification Sherloc (09022015). Collection method: clinical testing. Allele origin: germline.
Comment: This sequence change replaces glutamic acid, which is acidic and polar, with glutamine, which is neutral and polar, at codon 162 of the PRPH2 protein (p.Glu162Gln). This variant is present in population databases (rs769939935, gnomAD 0.02%). This variant has not been reported in the literature in individuals affected with PRPH2-related conditions. Advanced modeling of protein sequence and biophysical properties (such as structural, functional, and spatial information, amino acid conservation, physicochemical variation, residue mobility, and thermodynamic stability) has been performed at Invitae for this missense variant, however the output from this modeling did not meet the statistical confidence thresholds required to predict the impact of this variant on PRPH2 protein function. In summary, the available evidence is currently insufficient to determine the role of this variant in disease. Therefore, it has been classified as a Variant of Uncertain Significance.